The following is an entry in ClinVar:

ClinVar aggregate classification (germline): Uncertain significance (1 of 4 stars; one submission).

Conditions:
Hereditary pulmonary alveolar proteinosis. Also called: Pulmonary surfactant metabolism dysfunction. Identifiers: Orphanet 264675, MedGen C3711368, MONDO:0012580.

Allele frequency attached by ClinVar (database versions not stated): ExAC 0.00003; gnomAD exomes 0.00003; gnomAD 0.00005; TOPMed 0.00005; ESP Exome Variant Server 0.00015.
gnomAD v4.1: 25 of 1,613,852 alleles (0.0015%); highest among the groups gnomAD compares: Middle Eastern, 0.017%; no homozygotes.

Submission:

Ambry Genetics
Classification: Uncertain significance for Hereditary pulmonary alveolar proteinosis. Last evaluated: 2022-09-26. Review status: criteria provided, single submitter. Criteria: Ambry Variant Classification Scheme 2023. Collection method: clinical testing. Allele origin: germline.
Comment: The p.D656N variant (also known as c.1966G>A), located in coding exon 13 of the ABCA3 gene, results from a G to A substitution at nucleotide position 1966. The aspartic acid at codon 656 is replaced by asparagine, an amino acid with highly similar properties. This amino acid position is conserved. In addition, this alteration is predicted to be tolerated by in silico analysis. Since supporting evidence is limited at this time, the clinical significance of this alteration remains unclear.

NM_001089.3(ABCA3):c.1966G>A (p.Asp656Asn)

Gene: ABCA3 (ATP binding cassette subfamily A member 3; minus strand). Cytogenetic location: 16p13.3.
Variant type: single nucleotide variant.
Coding change: c.1966G>A on transcript NM_001089.3 (MANE Select); coding-DNA position 1966, G replaced by A.
Protein change: p.Asp656Asn; replaces aspartic acid 656 with asparagine.
Molecular consequence: missense variant.
Genome position (GRCh38, 1-based): chr16:2,297,852, C>T on the plus strand (G>A on the coding strand, the complement: ABCA3 is on the minus strand). VCF-style: chr16-2297852-C-T. GRCh37 (hg19) VCF-style: chr16-2347853-C-T.
Other names: short protein forms D656N.
Identifiers: ClinVar variation 1783530 (VCV001783530.2), dbSNP rs142391342, ClinGen allele CA7841013.